The following is an entry in ClinVar:

ClinVar aggregate classification (germline): Uncertain significance. Review status: criteria provided, multiple submitters, no conflicts (2 of 4 stars). 5 submissions from 5 submitters: Uncertain significance (5). Last evaluated 2026-01-20.

Conditions:
Prostate cancer, hereditary, 9 (HPC9). Identifiers: Orphanet 1331, MedGen C1970250, MONDO:0012597, OMIM 610997.
Hereditary cancer-predisposing syndrome. Also called: Hereditary neoplastic syndrome; Neoplastic Syndromes, Hereditary; Hereditary Cancer Syndrome; Tumor predisposition. Identifiers: Orphanet 140162, MedGen C0027672, MeSH D009386, MONDO:0015356.

gnomAD v4.1: 58 of 1,613,982 alleles (0.0036%); highest among the groups gnomAD compares: Non-Finnish European, 0.0046%; no homozygotes.

Submissions (5):

Labcorp Genetics (formerly Invitae), Labcorp
Classification: Uncertain significance. Last evaluated: 2026-01-20. Review status: criteria provided, single submitter. Criteria: Invitae Variant Classification Sherloc (09022015). Collection method: clinical testing. Allele origin: germline.
Comment: This sequence change replaces serine, which is neutral and polar, with arginine, which is basic and polar, at codon 122 of the HOXB13 protein (p.Ser122Arg). This variant is present in population databases (rs8556, gnomAD 0.01%). This variant has not been reported in the literature in individuals affected with HOXB13-related conditions. ClinVar contains an entry for this variant (Variation ID: 128032). Invitae Evidence Modeling of protein sequence and biophysical properties (such as structural, functional, and spatial information, amino acid conservation, physicochemical variation, residue mobility, and thermodynamic stability) indicates that this missense variant is not expected to disrupt HOXB13 protein function with a negative predictive value of 80%. In summary, the available evidence is currently insufficient to determine the role of this variant in disease. Therefore, it has been classified as a Variant of Uncertain Significance.

Ambry Genetics
Classification: Uncertain significance for Hereditary cancer-predisposing syndrome. Last evaluated: 2025-01-09. Review status: criteria provided, single submitter. Criteria: Ambry Variant Classification Scheme 2023. Collection method: clinical testing. Allele origin: germline.
Comment: The p.S122R variant (also known as c.366C>A), located in coding exon 1 of the HOXB13 gene, results from a C to A substitution at nucleotide position 366. The serine at codon 122 is replaced by arginine, an amino acid with dissimilar properties. This alteration was predicted deleterious based on several computational models and in silico comparative homology modeling of protein structure, which showed that this variant results in reduced protein stability (Chandrasekaran G et al. Sci. Rep. 2017 Mar;7:43830). This amino acid position is not well conserved in available vertebrate species. In addition, this alteration is predicted to be tolerated by Bayesdel in silico analysis. Based on the available evidence, the clinical significance of this variant remains unclear.

GeneDx
Classification: Uncertain significance. Last evaluated: 2024-08-11. Review status: criteria provided, single submitter. Criteria: GeneDx Variant Classification Process June 2021. Collection method: clinical testing. Allele origin: germline. Affected: yes.
Comment: In silico analysis supports that this missense variant has a deleterious effect on protein structure/function; Has not been previously published as pathogenic or benign to our knowledge; This variant is associated with the following publications: (PMID: 28272408)

Fulgent Genetics
Classification: Uncertain significance for Prostate cancer, hereditary, 9. Last evaluated: 2024-04-18. Review status: criteria provided, single submitter. Criteria: ACMG Guidelines, 2015. Collection method: clinical testing. Allele origin: germline.

Department of Pathology and Laboratory Medicine, Sinai Health System
Classification: Uncertain significance for Prostate cancer, hereditary, 9. Last evaluated: 2024-04-08. Review status: criteria provided, single submitter. Criteria: ACMG Guidelines, 2015. Collection method: clinical testing. Allele origin: germline.

Literature cited by the submitters: PubMed 28272408 (cited by Ambry Genetics).

NM_006361.6(HOXB13):c.366C>A (p.Ser122Arg)

Gene: HOXB13 (homeobox B13; minus strand). Cytogenetic location: 17q21.32.
Variant type: single nucleotide variant.
Coding change: c.366C>A on transcript NM_006361.6 (MANE Select); coding-DNA position 366, C replaced by A.
Protein change: p.Ser122Arg; replaces serine 122 with arginine.
Molecular consequence: missense variant.
Genome position (GRCh38, 1-based): chr17:48,728,228, G>T on the plus strand (C>A on the coding strand, the complement: HOXB13 is on the minus strand). VCF-style: chr17-48728228-G-T. GRCh37 (hg19) VCF-style: chr17-46805590-G-T.
Other names: p.S122R:AGC>AGA; short protein forms S122R.
Identifiers: ClinVar variation 128032 (VCV000128032.20), dbSNP rs8556, ClinGen allele CA288227.